The following is an entry in ClinVar:

ClinVar aggregate classification (germline): Likely benign. Review status: criteria provided, multiple submitters, no conflicts (2 of 4 stars). 3 submissions from 3 submitters: Likely benign (2). 1 of the submissions does not count toward it. Last evaluated 2026-09-01.

Conditions:
SGCE-related disorder. Also called: SGCE-related condition.

Allele frequency attached by ClinVar (database versions not stated): 1000 Genomes Project 0.00120; 1000 Genomes Project 30x 0.00125; gnomAD 0.00202; TOPMed 0.00214; gnomAD exomes 0.00227; ExAC 0.00253.
gnomAD v4.1: 3,464 of 1,534,634 alleles (0.23%); highest among the groups gnomAD compares: Middle Eastern, 0.42%; 13 homozygotes.

Submissions (3):

CeGaT Center for Human Genetics Tuebingen
Classification: Likely benign. Last evaluated: 2026-09-01. Review status: criteria provided, single submitter. Criteria: CeGaT Center For Human Genetics Tuebingen Variant Classification Criteria Version 2. Collection method: clinical testing. Allele origin: germline. Affected: yes. Observed: 12 variant alleles.
Comment: SGCE: PP3, BS1

Blueprint Genetics
Classification: Likely benign. Last evaluated: 2024-11-22. Review status: criteria provided, single submitter. Criteria: ACMG Guidelines, 2015. Collection method: clinical testing. Allele origin: germline.

PreventionGenetics, part of Exact Sciences
Classification: Benign for SGCE-related condition. Last evaluated: 2019-08-07. Review status: no assertion criteria provided. Collection method: clinical testing. Allele origin: germline. Not counted in ClinVar's aggregate classification.
Comment: This variant is classified as benign based on ACMG/AMP sequence variant interpretation guidelines (Richards et al. 2015 PMID: 25741868, with internal and published modifications).

NM_003919.3(SGCE):c.110-9580T>C

Gene: SGCE (sarcoglycan epsilon; minus strand). Cytogenetic location: 7q21.3.
Variant type: single nucleotide variant.
Coding change: c.110-9580T>C on transcript NM_003919.3 (MANE Select); 9580 bases into the intron before coding-DNA position 110, T replaced by C.
Molecular consequence: intron variant. On other transcripts: missense variant (2), 5 prime UTR variant (2).
Genome position (GRCh38, 1-based): chr7:94,639,421, A>G on the plus strand (T>C on the coding strand, the complement: SGCE is on the minus strand). VCF-style: chr7-94639421-A-G. GRCh37 (hg19) VCF-style: chr7-94268733-A-G.
Other names: c.137T>C (NM_001346713.1); c.137T>C, p.Ile46Thr (NM_001346713.2, NM_001346715.2); c.-59T>C (NM_001346719.2, NM_001362807.2); c.110-11062T>C (NM_001362809.2, NM_001301139.2); c.110-9580T>C (NM_001346717.2, NM_001099400.2, NM_001099401.2); c.-165+5185T>C (NM_001362808.2, NM_001346720.2); short protein forms I46T.
Identifiers: ClinVar variation 2657684 (VCV002657684.26), dbSNP rs142744182, ClinGen allele CA4348902.